The following is an entry in ClinVar:

ClinVar aggregate classification (germline): Uncertain significance (1 of 4 stars; one submission).

Submission:

Ambry Genetics
Classification: Uncertain significance. Last evaluated: 2021-06-28. Review status: criteria provided, single submitter. Criteria: Ambry Variant Classification Scheme 2023. Collection method: clinical testing. Allele origin: germline.
Comment: The p.K101R variant (also known as c.302A>G), located in coding exon 5 of the FAM175A gene, results from an A to G substitution at nucleotide position 302. The lysine at codon 101 is replaced by arginine, an amino acid with highly similar properties. This amino acid position is conserved. In addition, this alteration is predicted to be tolerated by in silico analysis. Since supporting evidence is limited at this time, the clinical significance of this alteration remains unclear.

NM_139076.3(ABRAXAS1):c.302A>G (p.Lys101Arg)

Gene: ABRAXAS1 (abraxas 1, BRCA1 A complex subunit; minus strand). Cytogenetic location: 4q21.23.
Variant type: single nucleotide variant.
Coding change: c.302A>G on transcript NM_139076.3 (MANE Select); coding-DNA position 302, A replaced by G.
Protein change: p.Lys101Arg; replaces lysine 101 with arginine.
Molecular consequence: missense variant. On other transcripts: 5 prime UTR variant (1).
Genome position (GRCh38, 1-based): chr4:83,470,377, T>C on the plus strand (A>G on the coding strand, the complement: ABRAXAS1 is on the minus strand). VCF-style: chr4-83470377-T-C. GRCh37 (hg19) VCF-style: chr4-84391530-T-C.
Other names: c.-26A>G (NM_001345962.2); short protein forms K101R.
Identifiers: ClinVar variation 1800329 (VCV001800329.2), dbSNP rs2529438442, ClinGen allele CA357260260.